The following is an entry in ClinVar:

ClinVar aggregate classification (germline): Conflicting classifications of pathogenicity. Review status: criteria provided, conflicting classifications (1 of 4 stars). 5 submissions from 5 submitters: Likely pathogenic (4); Uncertain significance (1). Last evaluated 2026-04-14.

Conditions:
Vitamin D-dependent rickets, type 1A. Also called: VITAMIN D HYDROXYLATION-DEFICIENT RICKETS, TYPE 1A; PDDR IA; PSEUDOVITAMIN D-DEFICIENCY RICKETS, TYPE IA. Identifiers: MedGen CN283242, MONDO:0020723, OMIM 264700.

Allele frequency attached by ClinVar (database versions not stated): TOPMed below 0.00001; gnomAD 0.00001.
gnomAD v4.1: 1 of 1,612,562 alleles (0.000062%); highest among the groups gnomAD compares: African/African-American, 0.0013%; no homozygotes.

Submissions (5):

Myriad Genetics, Inc.
Classification: Uncertain significance for Vitamin D-dependent rickets, type 1A. Last evaluated: 2026-04-14. Review status: criteria provided, single submitter. Criteria: Myriad Autosomal Dominant, Autosomal Recessive and X-Linked Classification Criteria (2023). Collection method: clinical testing. Allele origin: unknown.
Comment: NM_000785.3(CYP27B1):c.428C>T(P143L) is a missense variant classified as a variant of uncertain significance in the context of vitamin D-dependent rickets, CYP27B1-related. P143L has been observed in cases with relevant disease (PMID: 10566658, 34633109). Relevant functional assessments of this variant are available in the literature (PMID: 10566658). P143L has been observed in referenced population frequency databases. In summary, there is insufficient evidence to classify NM_000785.3(CYP27B1):c.428C>T(P143L) as pathogenic or benign. Please note: this variant was assessed in the context of healthy population screening.

Women's Health and Genetics/Laboratory Corporation of America, LabCorp
Classification: Likely pathogenic for Vitamin D-dependent rickets, type 1A. Last evaluated: 2025-06-11. Review status: criteria provided, single submitter. Criteria: LabCorp Variant Classification Summary - May 2015. Collection method: clinical testing. Allele origin: germline.
Comment: Variant summary: CYP27B1 c.428C>T (p.Pro143Leu) results in a non-conservative amino acid change in the encoded protein sequence. Algorithms developed to predict the effect of missense changes on protein structure and function are either unavailable or do not agree on the potential impact of this missense change. The variant allele was found at a frequency of 4.1e-06 in 244200 control chromosomes. c.428C>T has been observed in individual(s) affected with Vitamin D-dependent rickets, including as a compound heterozygous genotype (e.g. Kitanaka_1999, internal data). These data indicate that the variant may be associated with disease. At least one publication reports experimental evidence evaluating an impact on protein function. The most pronounced variant effect results in <10% of normal 1a-Hydroxylase activity (e.g. Kitanaka_1999). The following publications has been ascertained in the context of this evaluation (PMID: 10566658). ClinVar contains an entry for this variant (Variation ID: 1067732). Based on the evidence outlined above, the variant was classified as likely pathogenic.

Fulgent Genetics
Classification: Likely pathogenic for Vitamin D-dependent rickets, type 1A. Last evaluated: 2024-02-27. Review status: criteria provided, single submitter. Criteria: ACMG Guidelines, 2015. Collection method: clinical testing. Allele origin: germline.

Labcorp Genetics (formerly Invitae), Labcorp
Classification: Likely pathogenic. Last evaluated: 2022-12-16. Review status: criteria provided, single submitter. Criteria: Invitae Variant Classification Sherloc (09022015). Collection method: clinical testing. Allele origin: germline.
Comment: In summary, the currently available evidence indicates that the variant is pathogenic, but additional data are needed to prove that conclusively. Therefore, this variant has been classified as Likely Pathogenic. Experimental studies have shown that this missense change affects CYP27B1 function (PMID: 10566658). Advanced modeling of protein sequence and biophysical properties (such as structural, functional, and spatial information, amino acid conservation, physicochemical variation, residue mobility, and thermodynamic stability) performed at Invitae indicates that this missense variant is not expected to disrupt CYP27B1 protein function. ClinVar contains an entry for this variant (Variation ID: 1067732). This missense change has been observed in individual(s) with rickets CYP27B1-related disease (PMID: 10566658; Invitae). In at least one individual the data is consistent with being in trans (on the opposite chromosome) from a pathogenic variant. This variant is present in population databases (no rsID available, gnomAD 0.007%). This sequence change replaces proline, which is neutral and non-polar, with leucine, which is neutral and non-polar, at codon 143 of the CYP27B1 protein (p.Pro143Leu).

Department of Pathology and Laboratory Medicine, Sinai Health System
Classification: Likely pathogenic for vitamin D-dependent rickets, type 1A. Last evaluated: 2022-05-03. Review status: criteria provided, single submitter. Criteria: ACMG Guidelines, 2015. Collection method: research. Allele origin: germline.

Literature cited by the submitters: PubMed 10566658 (cited by 3 submitters); PubMed 34633109 (cited by Myriad Genetics, Inc.).

NM_000785.4(CYP27B1):c.428C>T (p.Pro143Leu)

Gene: CYP27B1 (cytochrome P450 family 27 subfamily B member 1; minus strand). Cytogenetic location: 12q14.1.
Variant type: single nucleotide variant.
Coding change: c.428C>T on transcript NM_000785.4 (MANE Select); coding-DNA position 428, C replaced by T.
Protein change: p.Pro143Leu; replaces proline 143 with leucine.
Molecular consequence: missense variant.
Genome position (GRCh38, 1-based): chr12:57,765,458, G>A on the plus strand (C>T on the coding strand, the complement: CYP27B1 is on the minus strand). VCF-style: chr12-57765458-G-A. GRCh37 (hg19) VCF-style: chr12-58159241-G-A.
Other names: short protein forms P143L.
Identifiers: ClinVar variation 1067732 (VCV001067732.13), dbSNP rs1222556174, ClinGen allele CA385506997.
Genomic context (GRCh38, chr12:57,765,458, plus strand): 5'-CAGACTACGTTGTTCAGGGTTCCGGCGTAGCGGGCGGCCGCTTGAGGCCGGAGGAGGAGC[G>A]GGGCCAGGAGACTGCGGAGCCTTTGCCATTCTTCGCCTTCCCTGCAGGGTTGAGGAGAGA-3'
Protein context (NP_000776.1, residues 133-153): EWQRLRSLLA[Pro143Leu]LLLRPQAAAR